The following is an entry in ClinVar:

NM_001261826.3(AP3D1):c.2150-5C>T

Gene: AP3D1 (adaptor related protein complex 3 subunit delta 1; minus strand). Cytogenetic location: 19p13.3.
Variant type: single nucleotide variant.
Coding change: c.2150-5C>T on transcript NM_001261826.3 (MANE Select); 5 bases into the intron before coding-DNA position 2150, C replaced by T.
Molecular consequence: intron variant.
Genome position (GRCh38, 1-based): chr19:2,115,423, G>A on the plus strand (C>T on the coding strand, the complement: AP3D1 is on the minus strand). VCF-style: chr19-2115423-G-A. GRCh37 (hg19) VCF-style: chr19-2115422-G-A.
Other names: p.?; c.2150-5C>T (NM_003938.8, NM_001374799.1).
Identifiers: ClinVar variation 733932 (VCV000733932.13), dbSNP rs116599347, ClinGen allele CA9058973.

ClinVar aggregate classification (germline): Benign/Likely benign. Review status: criteria provided, multiple submitters, no conflicts (2 of 4 stars). 3 submissions from 3 submitters: Benign (2); Likely benign (1). Last evaluated 2025-12-31.

Allele frequency attached by ClinVar (database versions not stated): gnomAD exomes 0.00025 and 0.00050; ExAC 0.00061; ESP Exome Variant Server 0.00138; gnomAD 0.00154 and 0.00165; TOPMed 0.00194; 1000 Genomes Project 30x 0.00281; 1000 Genomes Project 0.00319.
gnomAD v4.1: 604 of 1,607,432 alleles (0.038%); highest among the groups gnomAD compares: African/African-American, 0.52%; no homozygotes.

Submissions (3):

Labcorp Genetics (formerly Invitae), Labcorp
Classification: Benign. Last evaluated: 2025-12-31. Review status: criteria provided, single submitter. Criteria: Invitae Variant Classification Sherloc (09022015). Collection method: clinical testing. Allele origin: germline.

Mayo Clinic Laboratories, Mayo Clinic
Classification: Benign. Last evaluated: 2025-10-02. Review status: criteria provided, single submitter. Criteria: ACMG Guidelines, 2015. Collection method: clinical testing. Allele origin: germline. Observed: 3 variant alleles.
Comment: BA1, BP4, BP7

Blueprint Genetics
Classification: Likely benign. Last evaluated: 2024-11-21. Review status: criteria provided, single submitter. Criteria: ACMG Guidelines, 2015. Collection method: clinical testing. Allele origin: germline.